The following is an entry in ClinVar:

ClinVar aggregate classification (germline): Uncertain significance (1 of 4 stars; one submission).

Submission:

Ambry Genetics
Classification: Uncertain significance. Last evaluated: 2021-12-10. Review status: criteria provided, single submitter. Criteria: Ambry Variant Classification Scheme 2023. Collection method: clinical testing. Allele origin: germline.
Comment: The p.Y20S variant (also known as c.59A>C), located in coding exon 1 of the PALLD gene, results from an A to C substitution at nucleotide position 59. The tyrosine at codon 20 is replaced by serine, an amino acid with dissimilar properties. This amino acid position is conserved. In addition, this alteration is predicted to be deleterious by in silico analysis. Since supporting evidence is limited at this time, the clinical significance of this alteration remains unclear.

NM_001166108.2(PALLD):c.1965-12972A>C

Gene: PALLD (palladin, cytoskeletal associated protein; plus strand). Cytogenetic location: 4q32.3.
Variant type: single nucleotide variant.
Coding change: c.1965-12972A>C on transcript NM_001166108.2 (MANE Select); 12972 bases into the intron before coding-DNA position 1965, A replaced by C.
Molecular consequence: intron variant. On other transcripts: missense variant (1).
Genome position (GRCh38, 1-based): chr4:168,877,950, A>C. VCF-style: chr4-168877950-A-C. GRCh37 (hg19) VCF-style: chr4-169799101-A-C.
Other names: c.59A>C, p.Tyr20Ser (NM_001166110.2); c.1965-12972A>C (NM_016081.4); c.819-12972A>C (NM_001166109.2); c.-157-12972A>C (NM_001367570.1, NM_001367568.1, NM_001367567.1 and 1 more transcripts); short protein forms Y20S.
Identifiers: ClinVar variation 1750947 (VCV001750947.2), dbSNP rs2533432993, ClinGen allele CA358794839.